The following is an entry in ClinVar:

NM_004380.3(CREBBP):c.2158+6G>T

Gene: CREBBP (CREB binding lysine acetyltransferase; minus strand). Cytogenetic location: 16p13.3.
Variant type: single nucleotide variant.
Coding change: c.2158+6G>T on transcript NM_004380.3 (MANE Select); 6 bases into the intron after coding-DNA position 2158, G replaced by T.
Molecular consequence: intron variant.
Genome position (GRCh38, 1-based): chr16:3,777,607, C>A on the plus strand (G>T on the coding strand, the complement: CREBBP is on the minus strand). VCF-style: chr16-3777607-C-A. GRCh37 (hg19) VCF-style: chr16-3827608-C-A.
Other names: c.2044+6G>T (NM_001079846.1).
Identifiers: ClinVar variation 3688392 (VCV003688392.2).

ClinVar aggregate classification (germline): Uncertain significance (1 of 4 stars; one submission).

Conditions:
Rubinstein-Taybi syndrome (RSTS). Identifiers: Orphanet 783, MedGen C0035934, MONDO:0019188.

gnomAD v4.1: 1 of 1,614,024 alleles (0.000062%); highest among the groups gnomAD compares: Non-Finnish European, 0.000085%; no homozygotes.

Submission:

Labcorp Genetics (formerly Invitae), Labcorp
Classification: Uncertain significance for Rubinstein-Taybi syndrome. Last evaluated: 2024-09-08. Review status: criteria provided, single submitter. Criteria: Invitae Variant Classification Sherloc (09022015). Collection method: clinical testing. Allele origin: germline.
Comment: This sequence change falls in intron 11 of the CREBBP gene. It does not directly change the encoded amino acid sequence of the CREBBP protein. It affects a nucleotide within the consensus splice site. This variant is not present in population databases (gnomAD no frequency). This variant has not been reported in the literature in individuals affected with CREBBP-related conditions. Variants that disrupt the consensus splice site are a relatively common cause of aberrant splicing (PMID: 17576681, 9536098). Algorithms developed to predict the effect of sequence changes on RNA splicing suggest that this variant is not likely to affect RNA splicing. In summary, the available evidence is currently insufficient to determine the role of this variant in disease. Therefore, it has been classified as a Variant of Uncertain Significance.

Literature cited by the submitters: PubMed 17576681; PubMed 9536098.